The following is an entry in ClinVar:

ClinVar aggregate classification (germline): Likely pathogenic (1 of 4 stars; one submission).

Conditions:
Granulomatous disease, chronic, X-linked. Also called: GRANULOMATOUS DISEASE, CHRONIC, X-LINKED, SOMATIC MOSAIC; CYTOCHROME b-NEGATIVE GRANULOMATOUS DISEASE, CHRONIC, X-LINKED. Identifiers: Orphanet 379, MedGen C1844376, MONDO:0010600, OMIM 306400.

Submission:

Women's Health and Genetics/Laboratory Corporation of America, LabCorp
Classification: Likely pathogenic for X-linked Chronic Granulomatous Disease. Last evaluated: 2011-08-18. Review status: criteria provided, single submitter. Criteria: LabCorp Variant Classification Summary - May 2015. Collection method: curation, clinical testing. Allele origin: germline. Inheritance: Xlinked unknown. Affected: yes.
ClinVar note: Converted during submission from likely pathogenic to Likely pathogenic.

NM_000397.4(CYBB):c.15del (p.Ala5_Val6insTer)

Gene: CYBB (cytochrome b-245 beta chain; plus strand). Cytogenetic location: Xp21.1.
Variant type: Deletion.
Coding change: c.15del on transcript NM_000397.4 (MANE Select); coding-DNA position 15, one base deleted (T; older notation c.15delT).
Protein change: p.Ala5_Val6insTer.
Molecular consequence: frameshift variant.
Genome position (GRCh38, 1-based): chrX:37,780,092, T deleted. VCF-style (leftmost placement, unchanged base first): chrX-37780091-CT-C. GRCh37 (hg19) VCF-style: chrX-37639344-CT-C.
Other names: c.15delT (NM_000397.3).
Identifiers: ClinVar variation 35969 (VCV000035969.3), dbSNP rs193922446, ClinGen allele CA213627.